The following is an entry in ClinVar:

ClinVar aggregate classification (germline): Benign/Likely benign. Review status: criteria provided, multiple submitters, no conflicts (2 of 4 stars). 5 submissions from 5 submitters: Benign (3); Likely benign (2). Last evaluated 2026-03-01.

Allele frequency attached by ClinVar (database versions not stated): 1000 Genomes Project 0.00260; 1000 Genomes Project 30x 0.00312; ESP Exome Variant Server 0.00346; TOPMed 0.00346.
gnomAD v4.1: 1,035 of 1,612,862 alleles (0.064%); highest among the groups gnomAD compares: African/African-American, 1.2%; 11 homozygotes.

Submissions (5):

CeGaT Center for Human Genetics Tuebingen
Classification: Likely benign. Last evaluated: 2026-03-01. Review status: criteria provided, single submitter. Criteria: CeGaT Center For Human Genetics Tuebingen Variant Classification Criteria Version 2. Collection method: clinical testing. Allele origin: germline. Affected: yes. Observed: 2 variant alleles.
Comment: WDR81: BP4, BP7, BS1

Mayo Clinic Laboratories, Mayo Clinic
Classification: Benign. Last evaluated: 2025-06-04. Review status: criteria provided, single submitter. Criteria: ACMG Guidelines, 2015. Collection method: clinical testing. Allele origin: germline. Observed: 1 variant allele.
Comment: BS1, BS2, BP4, BP7

Blueprint Genetics
Classification: Likely benign. Last evaluated: 2024-11-26. Review status: criteria provided, single submitter. Criteria: ACMG Guidelines, 2015. Collection method: clinical testing. Allele origin: germline.

Labcorp Genetics (formerly Invitae), Labcorp
Classification: Benign. Last evaluated: 2019-12-31. Review status: criteria provided, single submitter. Criteria: Invitae Variant Classification Sherloc (09022015). Collection method: clinical testing. Allele origin: germline.

Breakthrough Genomics
Classification: Benign. Review status: criteria provided, single submitter. Criteria: ACMG Guidelines, 2015. Collection method: not provided. Allele origin: germline. Inheritance: Autosomal recessive inheritance. Affected: yes.

NM_001163809.2(WDR81):c.5703G>A (p.Ser1901=)

Gene: WDR81 (WD repeat domain 81; plus strand). Cytogenetic location: 17p13.3.
Variant type: single nucleotide variant.
Coding change: c.5703G>A on transcript NM_001163809.2 (MANE Select); coding-DNA position 5703, G replaced by A.
Protein change: p.Ser1901=; no amino-acid change (serine 1901 retained).
Molecular consequence: synonymous variant.
Genome position (GRCh38, 1-based): chr17:1,737,562, G>A. VCF-style: chr17-1737562-G-A. GRCh37 (hg19) VCF-style: chr17-1640856-G-A.
Other names: p.Ser1901=; c.2094G>A, p.Ser698= (NM_001163673.2); c.2022G>A, p.Ser674= (NM_001163811.2); c.2550G>A, p.Ser850= (NM_152348.4).
Identifiers: ClinVar variation 732388 (VCV000732388.30), dbSNP rs111744380, ClinGen allele CA8273954.
Genomic context (GRCh38, chr17:1,737,562, plus strand): 5'-GGTGGTCACTGGCACCGTGTCCAACAAGATTGGCGTCTGCTCCCTGCTTGAGCCACCCTC[G>A]CAGGCCACCACGAAGCTCAGCTCTGAGAACTTCCGCGGCACGCTCACCAGCCTGGCCTTG-3'
Protein context (NP_001157281.1, residues 1891-1911): IGVCSLLEPP[Ser1901=]QATTKLSSEN